The following is an entry in ClinVar:

NM_000548.5(TSC2):c.5260-9_5279del

Gene: TSC2 (TSC complex subunit 2; plus strand). Cytogenetic location: 16p13.3.
Variant type: Deletion.
Coding change: c.5260-9_5279del on transcript NM_000548.5 (MANE Select); 9 bases into the intron before coding-DNA position 5260 through coding-DNA position 5279, 29 bases deleted (TGCCTTCAGATCTGCGAGGAAGCCGCCTA).
Molecular consequence: splice acceptor variant.
Genome position (GRCh38, 1-based): chr16:2,088,437-2,088,465, TGCCTTCAGATCTGCGAGGAAGCCGCCTA deleted. VCF-style (leftmost placement, unchanged base first): chr16-2088436-CTGCCTTCAGATCTGCGAGGAAGCCGCCTA-C. GRCh37 (hg19) VCF-style: chr16-2138437-CTGCCTTCAGATCTGCGAGGAAGCCGCCTA-C.
Other names: c.5191-9_5210del (NM_001114382.3); c.5131-9_5150del (NM_021055.3); c.5119-9_5138del (NM_001370405.1); c.5062-9_5081del (NM_001363528.2); c.5128-9_5147del (NM_001370404.1); c.5059-9_5078del (NM_001077183.3); c.4951-9_4970del (NM_001318827.2); c.4528-9_4547del (NM_001318831.2); and 4 more.
Identifiers: ClinVar variation 406091 (VCV000406091.14), dbSNP rs967037646, ClinGen allele CA16615202.

ClinVar aggregate classification (germline): Uncertain significance. Review status: criteria provided, multiple submitters, no conflicts (2 of 4 stars). 3 submissions from 3 submitters: Uncertain significance (3). Last evaluated 2026-05-20.

Conditions:
Hereditary cancer-predisposing syndrome. Also called: Hereditary Cancer Syndrome; Tumor predisposition; Hereditary neoplastic syndrome; Neoplastic Syndromes, Hereditary. Identifiers: Orphanet 140162, MedGen C0027672, MeSH D009386, MONDO:0015356.
Tuberous sclerosis 2 (TSC2). Identifiers: Orphanet 805, MedGen C1860707, MONDO:0013199, OMIM 613254.

Allele frequency attached by ClinVar (database versions not stated): gnomAD exomes below 0.00001; TOPMed 0.00001.

Submissions (3):

Ambry Genetics
Classification: Uncertain significance for Hereditary cancer-predisposing syndrome. Last evaluated: 2026-05-20. Review status: criteria provided, single submitter. Criteria: Ambry Variant Classification Scheme 2023. Collection method: clinical testing. Allele origin: germline.
Comment: The c.5260-9_5279del29 variant results from a deletion of 29 nucleotides between positions 5260-9 and 5279 and involves the canonical splice acceptor site before coding exon 41 of the TSC2 gene. This variant occurs at the 3' terminus of the gene, is not expected to trigger nonsense-mediated mRNA decay, and only impacts the last exon of the protein. The exact functional effect of this variant is unknown. The canonical splice acceptor site is well conserved in available vertebrate species. In silico splice site analysis predicts that this alteration will weaken the native splice acceptor site and will result in the creation or strengthening of a novel splice acceptor site; however, direct evidence is insufficient at this time (Ambry internal data). Based on the available evidence, the clinical significance of this variant remains unclear.

Labcorp Genetics (formerly Invitae), Labcorp
Classification: Uncertain significance for Tuberous sclerosis 2. Last evaluated: 2025-09-24. Review status: criteria provided, single submitter. Criteria: Invitae Variant Classification Sherloc (09022015). Collection method: clinical testing. Allele origin: germline.
Comment: This variant results in the deletion of an acceptor splice site in intron 41 and the first 20 nucleotides of exon 42 (c.5260-9_5279del) of the TSC2 gene. RNA analysis indicates that this variant induces altered splicing and likely disrupts the C-terminus of the protein. This variant is not present in population databases (gnomAD no frequency). This variant has not been reported in the literature in individuals affected with TSC2-related conditions. ClinVar contains an entry for this variant (Variation ID: 406091). Variants that disrupt the consensus splice site are a relatively common cause of aberrant splicing (PMID: 17576681, 9536098). Studies have shown that this variant results in skipping of the last exon (exon 42) and introduces a new termination codon (internal data). However the mRNA is not expected to undergo nonsense-mediated decay. In summary, the available evidence is currently insufficient to determine the role of this variant in disease. Therefore, it has been classified as a Variant of Uncertain Significance.

GeneDx
Classification: Uncertain significance. Last evaluated: 2018-11-12. Review status: criteria provided, single submitter. Criteria: GeneDx Variant Classification Process June 2021. Collection method: clinical testing. Allele origin: germline. Affected: yes.
Comment: Not observed in large population cohorts (Lek et al., 2016; McVean et al., 2012; Exome Variant Server)

Literature cited by the submitters: PubMed 17576681 (cited by Labcorp Genetics (formerly Invitae), Labcorp); PubMed 9536098 (cited by Labcorp Genetics (formerly Invitae), Labcorp).